The following is an entry in ClinVar:

NM_000528.4(MAN2B1):c.1437G>T (p.Ala479=)

Gene: MAN2B1 (mannosidase alpha class 2B member 1; minus strand). Cytogenetic location: 19p13.13.
Variant type: single nucleotide variant.
Coding change: c.1437G>T on transcript NM_000528.4 (MANE Select); coding-DNA position 1437, G replaced by T.
Protein change: p.Ala479=; no amino-acid change (alanine 479 retained).
Molecular consequence: synonymous variant.
Genome position (GRCh38, 1-based): chr19:12,657,039, C>A on the plus strand (G>T on the coding strand, the complement: MAN2B1 is on the minus strand). VCF-style: chr19-12657039-C-A. GRCh37 (hg19) VCF-style: chr19-12767853-C-A.
Other names: c.1434G>T, p.Ala478= (NM_001173498.2).
Identifiers: ClinVar variation 527128 (VCV000527128.32), dbSNP rs139435774, ClinGen allele CA9226437.
Genomic context (GRCh38, chr19:12,657,039, plus strand): 5'-GCTGATGTTTAGCTGTTGGCAAAAGGTGAAGTGATCTTTGAAGCCTCTGAGCCGCGCCAG[C>A]GCGTTGCTCAGAAGAACCTGCGGAAGAGCGCAAAGGGACCGGTGGGTTCAGGACGCCAGG-3'
Protein context (NP_000519.2, residues 469-489): WGPCEVLLSN[Ala479=]LARLRGFKDH

ClinVar aggregate classification (germline): Conflicting classifications of pathogenicity. Review status: criteria provided, conflicting classifications (1 of 4 stars). 9 submissions from 9 submitters: Uncertain significance (2); Likely benign (4). 3 of the submissions do not count toward it. Last evaluated 2026-06-01.

Conditions:
Deficiency of alpha-mannosidase (MANSA). Also called: Mannosidosis, alpha-, types I and II; Alpha-Mannosidosis; LYSOSOMAL ALPHA-D-MANNOSIDASE DEFICIENCY. Identifiers: Orphanet 61, MedGen C0024748, MONDO:0009561, OMIM 248500.

Allele frequency attached by ClinVar (database versions not stated): gnomAD 0.00045; ESP Exome Variant Server 0.00062; TOPMed 0.00068.
gnomAD v4.1: 1,600 of 1,610,616 alleles (0.099%); highest among the groups gnomAD compares: Non-Finnish European, 0.12%; 4 homozygotes.

Submissions (9):

CeGaT Center for Human Genetics Tuebingen
Classification: Likely benign. Last evaluated: 2026-06-01. Review status: criteria provided, single submitter. Criteria: CeGaT Center For Human Genetics Tuebingen Variant Classification Criteria Version 2. Collection method: clinical testing. Allele origin: germline. Affected: yes. Observed: 2 variant alleles.
Comment: MAN2B1: BP4, BP7

Labcorp Genetics (formerly Invitae), Labcorp
Classification: Likely benign for Deficiency of alpha-mannosidase. Last evaluated: 2026-02-02. Review status: criteria provided, single submitter. Criteria: Invitae Variant Classification Sherloc (09022015). Collection method: clinical testing. Allele origin: germline.

Blueprint Genetics
Classification: Likely benign. Last evaluated: 2024-11-28. Review status: criteria provided, single submitter. Criteria: ACMG Guidelines, 2015. Collection method: clinical testing. Allele origin: germline.

Revvity Omics, Revvity
Classification: Uncertain significance for Deficiency of alpha-mannosidase. Last evaluated: 2022-06-20. Review status: criteria provided, single submitter. Criteria: ACMG Guidelines, 2015. Collection method: clinical testing. Allele origin: germline.

Genome-Nilou Lab
Classification: Likely benign for Deficiency of alpha-mannosidase. Last evaluated: 2021-07-14. Review status: criteria provided, single submitter. Criteria: ACMG Guidelines, 2015. Collection method: clinical testing. Allele origin: germline. Affected: no.

Illumina Laboratory Services, Illumina
Classification: Uncertain significance for Deficiency of alpha-mannosidase. Last evaluated: 2018-01-12. Review status: criteria provided, single submitter. Criteria: ICSL Variant Classification Criteria 13 December 2019. Collection method: clinical testing. Allele origin: germline.

Clinical Genetics DNA and cytogenetics Diagnostics Lab, Erasmus MC, Erasmus Medical Center
Classification: Likely benign. Review status: no assertion criteria provided. Collection method: clinical testing. Allele origin: germline. Affected: yes. Study: VKGL Data-share Consensus. Not counted in ClinVar's aggregate classification.

Clinical Genetics, Academic Medical Center
Classification: Benign. Review status: no assertion criteria provided. Collection method: clinical testing. Allele origin: germline. Affected: yes. Study: VKGL Data-share Consensus. Not counted in ClinVar's aggregate classification.

Diagnostic Laboratory, Department of Genetics, University Medical Center Groningen
Classification: Likely benign. Review status: no assertion criteria provided. Collection method: clinical testing. Allele origin: germline. Affected: yes. Study: VKGL Data-share Consensus. Not counted in ClinVar's aggregate classification.